The following is an entry in ClinVar:

ClinVar aggregate classification (germline): Uncertain significance (1 of 4 stars; one submission).

Conditions:
Episodic ataxia type 2 (EA2). Also called: ACETAZOLAMIDE-RESPONSIVE HEREDITARY PAROXYSMAL CEREBELLAR ATAXIA; ATAXIA, EPISODIC, WITH NYSTAGMUS; ATAXIA, FAMILIAL PAROXYSMAL; CEREBELLAR ATAXIA, PAROXYSMAL, ACETAZOLAMIDE-RESPONSIVE; CEREBELLOPATHY, HEREDITARY PAROXYSMAL; EPISODIC ATAXIA, NYSTAGMUS-ASSOCIATED. Identifiers: Orphanet 97, MedGen C1720416, MONDO:0007163, OMIM 108500.
Developmental and epileptic encephalopathy, 42 (DEE42A). Also called: Epileptic encephalopathy, early infantile, 42; DEVELOPMENTAL AND EPILEPTIC ENCEPHALOPATHY 42A; EPILEPTIC ENCEPHALOPATHY, EARLY INFANTILE, 42A. Identifiers: MedGen C4310716, MONDO:0014917, OMIM 617106.

gnomAD v4.1: 2 of 1,606,576 alleles (0.00012%); highest among the groups gnomAD compares: Admixed American, 0.0034%; no homozygotes.

Submission:

Labcorp Genetics (formerly Invitae), Labcorp
Classification: Uncertain significance for Developmental and epileptic encephalopathy, 42; Episodic ataxia type 2. Last evaluated: 2025-05-21. Review status: criteria provided, single submitter. Criteria: Invitae Variant Classification Sherloc (09022015). Collection method: clinical testing. Allele origin: germline.
Comment: This sequence change falls in intron 33 of the CACNA1A gene. It does not directly change the encoded amino acid sequence of the CACNA1A protein. It affects a nucleotide within the consensus splice site. This variant is present in population databases (no rsID available, gnomAD 0.006%). This variant has not been reported in the literature in individuals affected with CACNA1A-related conditions. Variants that disrupt the consensus splice site are a relatively common cause of aberrant splicing (PMID: 17576681, 9536098). Algorithms developed to predict the effect of sequence changes on RNA splicing suggest that this variant is not likely to affect RNA splicing. In summary, the available evidence is currently insufficient to determine the role of this variant in disease. Therefore, it has been classified as a Variant of Uncertain Significance.

Literature cited by the submitters: PubMed 17576681; PubMed 9536098.

NM_001127222.2(CACNA1A):c.5133+6T>A

Gene: CACNA1A (calcium voltage-gated channel subunit alpha1 A; minus strand). Cytogenetic location: 19p13.13.
Variant type: single nucleotide variant.
Coding change: c.5133+6T>A on transcript NM_001127222.2 (MANE Select); 6 bases into the intron after coding-DNA position 5133, T replaced by A.
Molecular consequence: intron variant.
Genome position (GRCh38, 1-based): chr19:13,235,203, A>T on the plus strand (T>A on the coding strand, the complement: CACNA1A is on the minus strand). VCF-style: chr19-13235203-A-T. GRCh37 (hg19) VCF-style: chr19-13346017-A-T.
Other names: c.5136+6T>A (NM_001127221.2); c.5142+6T>A (NM_001174080.2); c.5151+6T>A (NM_000068.4, NM_023035.3).
Identifiers: ClinVar variation 4795047 (VCV004795047.1).